The following is an entry in ClinVar:

ClinVar aggregate classification (germline): Uncertain significance (1 of 4 stars; one submission).

Conditions:
Cardiomyopathy (CMYO). Also called: Cardiomyopathies. Identifiers: Orphanet 167848, MedGen C0878544, MONDO:0004994, HP:0001638. Inheritance: Various modes of inheritance.

Submission:

Color Diagnostics, LLC DBA Color Health
Classification: Uncertain significance for Cardiomyopathy. Last evaluated: 2024-12-10. Review status: criteria provided, single submitter. Criteria: ACMG Guidelines, 2015. Collection method: clinical testing. Allele origin: germline.
Comment: This missense variant replaces glutamine with arginine at codon 827 of the MYBPC3 protein. Computational prediction suggests that this variant may not impact protein structure and function (internally defined REVEL score threshold <= 0.5, PMID: 27666373). To our knowledge, functional studies have not been reported for this variant. This variant has not been reported in individuals affected with MYBPC3-related disorders in the literature. This variant has not been identified in the general population by the Genome Aggregation Database (gnomAD). The available evidence is insufficient to determine the role of this variant in disease conclusively. Therefore, this variant is classified as a Variant of Uncertain Significance.

NM_000256.3(MYBPC3):c.2480A>G (p.Gln827Arg)

Gene: MYBPC3 (myosin binding protein C3; minus strand). Cytogenetic location: 11p11.2.
Variant type: single nucleotide variant.
Coding change: c.2480A>G on transcript NM_000256.3 (MANE Select); coding-DNA position 2480, A replaced by G.
Protein change: p.Gln827Arg; replaces glutamine 827 with arginine.
Molecular consequence: missense variant.
Genome position (GRCh38, 1-based): chr11:47,337,513, T>C on the plus strand (A>G on the coding strand, the complement: MYBPC3 is on the minus strand). VCF-style: chr11-47337513-T-C. GRCh37 (hg19) VCF-style: chr11-47359064-T-C.
Other names: short protein forms Q827R.
Identifiers: ClinVar variation 3893878 (VCV003893878.1).
Genomic context (GRCh38, chr11:47,337,513, plus strand): 5'-TAGACGCGCATCTCGTACACCACGCCCTCGATCATGCGCCGCGCTTCATGACTCAGCTCC[T>C]GAATCAGGTCGAAGTTCAGCCGCATCCACCGGTAGCTCTTCTTCTTCTTGCGCTCCAGGA-3'
Protein context (NP_000247.2, residues 817-837): RWMRLNFDLI[Gln827Arg]ELSHEARRMI